The following is an entry in ClinVar:

NM_152564.5(VPS13B):c.2516-2A>C

Gene: VPS13B (vacuolar protein sorting 13 homolog B; plus strand). Cytogenetic location: 8q22.2.
Variant type: single nucleotide variant.
Coding change: c.2516-2A>C on transcript NM_152564.5 (MANE Select); the canonical splice acceptor site of the intron before coding-DNA position 2516, A replaced by C.
Molecular consequence: splice acceptor variant.
Genome position (GRCh38, 1-based): chr8:99,274,196, A>C. VCF-style: chr8-99274196-A-C. GRCh37 (hg19) VCF-style: chr8-100286424-A-C.
Other names: c.2516-2A>C (NM_017890.5).
Identifiers: ClinVar variation 3349528 (VCV003349528.1).

ClinVar aggregate classification (germline): Likely pathogenic (0 of 4 stars; one submission).

Conditions:
VPS13B-related disorder. Also called: VPS13B-related condition.

Submission:

PreventionGenetics, part of Exact Sciences
Classification: Likely pathogenic for VPS13B-related condition. Last evaluated: 2024-02-02. Review status: no assertion criteria provided. Collection method: clinical testing. Allele origin: germline.
Comment: The VPS13B c.2516-2A>C variant is predicted to disrupt the AG splice acceptor site and interfere with normal splicing. To our knowledge, this variant has not been reported in the literature or in a large population database, indicating this variant is rare. Variants that disrupt the consensus splice acceptor site in VPS13B are expected to be pathogenic. This variant is interpreted as likely pathogenic.